The following is an entry in ClinVar:

ClinVar aggregate classification (germline): Uncertain significance (1 of 4 stars; one submission).

Conditions:
Hereditary pancreatitis (PCTT). Also called: Hereditary chronic pancreatitis; PRSS1-Related Hereditary Pancreatitis. Identifiers: Orphanet 676, MedGen C0238339, MONDO:0008185, OMIM 167800.

Allele frequency attached by ClinVar (database versions not stated): gnomAD 0.00001; TOPMed 0.00001.

Submission:

Ambry Genetics
Classification: Uncertain significance for Hereditary pancreatitis. Last evaluated: 2025-12-20. Review status: criteria provided, single submitter. Criteria: Ambry Variant Classification Scheme 2023. Collection method: clinical testing. Allele origin: germline.
Comment: The p.Y200H variant (also known as c.598T>C), located in coding exon 6 of the CPA1 gene, results from a T to C substitution at nucleotide position 598. The tyrosine at codon 200 is replaced by histidine, an amino acid with similar properties. This amino acid position is well conserved in available vertebrate species. In addition, this alteration is predicted to be tolerated by in silico analysis. Since supporting evidence is limited at this time, the clinical significance of this alteration remains unclear.

NM_001868.4(CPA1):c.598T>C (p.Tyr200His)

Gene: CPA1 (carboxypeptidase A1; plus strand). Cytogenetic location: 7q32.2.
Variant type: single nucleotide variant.
Coding change: c.598T>C on transcript NM_001868.4 (MANE Select); coding-DNA position 598, T replaced by C.
Protein change: p.Tyr200His; replaces tyrosine 200 with histidine.
Molecular consequence: missense variant.
Genome position (GRCh38, 1-based): chr7:130,383,696, T>C. VCF-style: chr7-130383696-T-C. GRCh37 (hg19) VCF-style: chr7-130023537-T-C.
Other names: short protein forms Y200H.
Identifiers: ClinVar variation 1750902 (VCV001750902.3), dbSNP rs1562967649, ClinGen allele CA369282648.